The following is an entry in ClinVar:

ClinVar aggregate classification (germline): Likely pathogenic. Review status: criteria provided, multiple submitters, no conflicts (2 of 4 stars). 2 submissions from 2 submitters: Likely pathogenic (2). Last evaluated 2022-02-25.

Conditions:
RGS9-related disorder. Also called: RGS9-related condition.

Submissions (2):

Labcorp Genetics (formerly Invitae), Labcorp
Classification: Likely pathogenic. Last evaluated: 2022-02-25. Review status: criteria provided, single submitter. Criteria: Invitae Variant Classification Sherloc (09022015). Collection method: clinical testing. Allele origin: germline.
Comment: This variant has not been reported in the literature in individuals affected with RGS9-related conditions. In summary, the currently available evidence indicates that the variant is pathogenic, but additional data are needed to prove that conclusively. Therefore, this variant has been classified as Likely Pathogenic. Algorithms developed to predict the effect of sequence changes on RNA splicing suggest that this variant may disrupt the consensus splice site. ClinVar contains an entry for this variant (Variation ID: 1059883). This variant is not present in population databases (gnomAD no frequency). This variant results in the deletion of part of exon 2 (c.145_154+18del) of the RGS9 gene. It is expected to disrupt RNA splicing. Variants that disrupt the donor or acceptor splice site typically lead to a loss of protein function (PMID: 16199547), and loss-of-function variants in RGS9 are known to be pathogenic (PMID: 11262419, 14702087).

Blueprint Genetics
Classification: Likely pathogenic for RGS9-related disorders. Last evaluated: 2018-11-20. Review status: criteria provided, single submitter. Criteria: ACMG Guidelines, 2015. Collection method: clinical testing. Allele origin: germline. Affected: yes. Observed: 1 variant allele.

Literature cited by the submitters: PubMed 16199547 (cited by Labcorp Genetics (formerly Invitae), Labcorp); PubMed 11262419 (cited by Labcorp Genetics (formerly Invitae), Labcorp); PubMed 14702087 (cited by Labcorp Genetics (formerly Invitae), Labcorp).

NM_003835.4(RGS9):c.145_154+18del

Gene: RGS9 (regulator of G protein signaling 9; plus strand). Cytogenetic location: 17q24.1.
Variant type: Deletion.
Coding change: c.145_154+18del on transcript NM_003835.4 (MANE Select); coding-DNA position 145 through 18 bases into the intron after coding-DNA position 154, 28 bases deleted (GCCATGACAGGTGATGTAGCTTGCACTT).
Molecular consequence: splice donor variant.
Genome position (GRCh38, 1-based): chr17:65,153,509-65,153,536, GCCATGACAGGTGATGTAGCTTGCACTT deleted; deleting any 28 consecutive bases within chr17:65,153,508-65,153,536 gives the same sequence; the c. name uses the placement nearest the transcript's 3' end. VCF-style (leftmost placement, unchanged base first): chr17-65153507-ATGCCATGACAGGTGATGTAGCTTGCACT-A. GRCh37 (hg19) VCF-style: chr17-63149625-ATGCCATGACAGGTGATGTAGCTTGCACT-A.
Other names: c.145_154+18del (NM_001081955.3, NM_001165933.2).
Identifiers: ClinVar variation 1059883 (VCV001059883.8), dbSNP rs2143975211, ClinGen allele CA2499224839.